The following is an entry in ClinVar:

ClinVar aggregate classification (germline): Uncertain significance (1 of 4 stars; one submission).

Conditions:
Hypertrophic cardiomyopathy 14. Identifiers: MedGen C2750467, MONDO:0013197, OMIM 613251.

Submission:

Labcorp Genetics (formerly Invitae), Labcorp
Classification: Uncertain significance for Hypertrophic cardiomyopathy 14. Last evaluated: 2025-10-13. Review status: criteria provided, single submitter. Criteria: Invitae Variant Classification Sherloc (09022015). Collection method: clinical testing. Allele origin: germline.
Comment: This sequence change replaces glutamic acid, which is acidic and polar, with aspartic acid, which is acidic and polar, at codon 1003 of the MYH6 protein (p.Glu1003Asp). This variant is not present in population databases (gnomAD no frequency). This missense change has been observed in individual(s) with left ventricular non-compaction (PMID: 28798025). ClinVar contains an entry for this variant (Variation ID: 2975231). An algorithm developed to predict the effect of missense changes on protein structure and function (PolyPhen-2) suggests that this variant is likely to be disruptive. In summary, the available evidence is currently insufficient to determine the role of this variant in disease. Therefore, it has been classified as a Variant of Uncertain Significance.

Literature cited by the submitters: PubMed 28798025.

NM_002471.4(MYH6):c.3009G>C (p.Glu1003Asp)

Gene: MYH6 (myosin heavy chain 6; minus strand). Cytogenetic location: 14q11.2.
Variant type: single nucleotide variant.
Coding change: c.3009G>C on transcript NM_002471.4 (MANE Select); coding-DNA position 3009, G replaced by C.
Protein change: p.Glu1003Asp; replaces glutamic acid 1003 with aspartic acid.
Molecular consequence: missense variant.
Genome position (GRCh38, 1-based): chr14:23,393,438, C>G on the plus strand (G>C on the coding strand, the complement: MYH6 is on the minus strand). VCF-style: chr14-23393438-C-G. GRCh37 (hg19) VCF-style: chr14-23862647-C-G.
Other names: short protein forms E1003D.
Identifiers: ClinVar variation 2975231 (VCV002975231.3), dbSNP rs199901927, ClinGen allele CA389010900.